The following is an entry in ClinVar:

ClinVar aggregate classification (germline): Uncertain significance (1 of 4 stars; one submission).

Conditions:
BAP1-related tumor predisposition syndrome (TPDS1). Also called: COMMON Syndrome; TUMOR PREDISPOSITION SYNDROME 1; Tumor susceptibility linked to germline BAP1 mutations; BAP1 tumor predisposition syndrome. Identifiers: Orphanet 289539, MedGen C3280492, MONDO:0013692, OMIM 614327.

Submission:

Labcorp Genetics (formerly Invitae), Labcorp
Classification: Uncertain significance for BAP1-related tumor predisposition syndrome. Last evaluated: 2021-05-04. Review status: criteria provided, single submitter. Criteria: Invitae Variant Classification Sherloc (09022015). Collection method: clinical testing. Allele origin: germline.
Comment: This sequence change replaces aspartic acid with glutamic acid at codon 407 of the BAP1 protein (p.Asp407Glu). The aspartic acid residue is weakly conserved and there is a small physicochemical difference between aspartic acid and glutamic acid. This variant is not present in population databases (ExAC no frequency). This variant has not been reported in the literature in individuals with BAP1-related conditions. Algorithms developed to predict the effect of missense changes on protein structure and function output the following: SIFT: "Tolerated"; PolyPhen-2: "Benign"; Align-GVGD: "Class C0". The glutamic acid amino acid residue is found in multiple mammalian species, suggesting that this missense change does not adversely affect protein function. These predictions have not been confirmed by published functional studies and their clinical significance is uncertain. In summary, the available evidence is currently insufficient to determine the role of this variant in disease. Therefore, it has been classified as a Variant of Uncertain Significance.

NM_004656.4(BAP1):c.1221T>A (p.Asp407Glu)

Gene: BAP1 (BRCA1 associated deubiquitinase 1; minus strand). Cytogenetic location: 3p21.1.
Variant type: single nucleotide variant.
Coding change: c.1221T>A on transcript NM_004656.4 (MANE Select); coding-DNA position 1221, T replaced by A.
Protein change: p.Asp407Glu; replaces aspartic acid 407 with glutamic acid.
Molecular consequence: missense variant.
Genome position (GRCh38, 1-based): chr3:52,404,482, A>T on the plus strand (T>A on the coding strand, the complement: BAP1 is on the minus strand). VCF-style: chr3-52404482-A-T. GRCh37 (hg19) VCF-style: chr3-52438498-A-T.
Other names: short protein forms D407E.
Identifiers: ClinVar variation 1488776 (VCV001488776.8), dbSNP rs1028053412, ClinGen allele CA353102876.